The following is an entry in ClinVar:

ClinVar aggregate classification (germline): Pathogenic (1 of 4 stars; one submission).

Submission:

GeneDx
Classification: Pathogenic. Last evaluated: 2015-12-22. Review status: criteria provided, single submitter. Criteria: GeneDx Variant Classification (06012015). Collection method: clinical testing. Allele origin: germline. Affected: yes.
Comment: The H171P pathogenic variant in the KIF1A gene has not been reported previously as a pathogenicvariant nor as a benign variant, to our knowledge. The H171P variant was not observed inapproximately 6,400 individuals of European and African American ancestry in the NHLBI ExomeSequencing Project, indicating it is not a common benign variant in these populations. The H171Pvariant is a non-conservative amino acid substitution, which is likely to impact secondary proteinstructure as these residues differ in polarity, charge, size and/or other properties. This substitutionoccurs at a position that is conserved across species. In silico analysis predicts this variant is probablydamaging to the protein structure/function. A missense variant in a nearby residue (R167C) has beenreported in the Human Gene Mutation Database in association with intellectual disability and spasticparaparesis (Stenson et al., 2014), supporting the functional importance of this region of the protein.We interpret H171P as a pathogenic variant.

NM_001244008.2(KIF1A):c.512A>C (p.His171Pro)

Gene: KIF1A (kinesin family member 1A; minus strand). Cytogenetic location: 2q37.3.
Variant type: single nucleotide variant.
Coding change: c.512A>C on transcript NM_001244008.2 (MANE Select); coding-DNA position 512, A replaced by C.
Protein change: p.His171Pro; replaces histidine 171 with proline.
Molecular consequence: missense variant.
Genome position (GRCh38, 1-based): chr2:240,786,431, T>G on the plus strand (A>C on the coding strand, the complement: KIF1A is on the minus strand). VCF-style: chr2-240786431-T-G. GRCh37 (hg19) VCF-style: chr2-241725848-T-G.
Other names: c.512A>C, p.His171Pro (NM_001320705.2, NM_001330289.2, NM_001330290.2 and 20 more transcripts); short protein forms H171P.
Identifiers: ClinVar variation 234716 (VCV000234716.2), dbSNP rs876661180, ClinGen allele CA10577245.